The following is an entry in ClinVar:

ClinVar aggregate classification (germline): Benign/Likely benign. Review status: criteria provided, multiple submitters, no conflicts (2 of 4 stars). 14 submissions from 14 submitters: Benign (5); Likely benign (5). 4 of the submissions do not count toward it. Last evaluated 2026-06-01.

Conditions:
NSD1-related disorder. Also called: NSD1-related condition.
Sotos syndrome (SOTOS). Also called: CHROMOSOME 5q35 DELETION SYNDROME; CEREBRAL GIGANTISM; Sotos' syndrome; Distinctive facial appearance, overgrowth in childhood, and learning disabilities or delayed development; SOTOS SYNDROME 1. Identifiers: Orphanet 821, MedGen C0175695, MONDO:0019349, OMIM 117550.
Inborn genetic diseases. Identifiers: MedGen C0950123, MeSH D030342.

Allele frequency attached by ClinVar (database versions not stated): 1000 Genomes Project 0.00020; gnomAD 0.00025; 1000 Genomes Project 30x 0.00031; TOPMed 0.00065; gnomAD exomes 0.00077; ExAC 0.00083; ESP Exome Variant Server 0.00100.
gnomAD v4.1: 969 of 1,614,254 alleles (0.06%); highest among the groups gnomAD compares: Middle Eastern, 1.1%; 7 homozygotes.

Submissions (14):

CeGaT Center for Human Genetics Tuebingen
Classification: Likely benign. Last evaluated: 2026-06-01. Review status: criteria provided, single submitter. Criteria: CeGaT Center For Human Genetics Tuebingen Variant Classification Criteria Version 2. Collection method: clinical testing. Allele origin: germline. Affected: yes. Observed: 18 variant alleles.
Comment: NSD1: BP4, BP7, BS1

Labcorp Genetics (formerly Invitae), Labcorp
Classification: Benign. Last evaluated: 2026-02-03. Review status: criteria provided, single submitter. Criteria: Invitae Variant Classification Sherloc (09022015). Collection method: clinical testing. Allele origin: germline.

Blueprint Genetics
Classification: Likely benign. Last evaluated: 2024-11-13. Review status: criteria provided, single submitter. Criteria: ACMG Guidelines, 2015. Collection method: clinical testing. Allele origin: germline.

Genome-Nilou Lab
Classification: Benign for Sotos syndrome. Last evaluated: 2021-07-15. Review status: criteria provided, single submitter. Criteria: ACMG Guidelines, 2015. Collection method: clinical testing. Allele origin: germline. Affected: no.

Fulgent Genetics
Classification: Likely benign for Sotos syndrome. Last evaluated: 2021-07-08. Review status: criteria provided, single submitter. Criteria: ACMG Guidelines, 2015. Collection method: clinical testing. Allele origin: unknown.

Ambry Genetics
Classification: Likely benign for Inborn genetic diseases. Last evaluated: 2016-07-18. Review status: criteria provided, single submitter. Criteria: Ambry Variant Classification Scheme 2023. Collection method: clinical testing. Allele origin: germline.

Eurofins Ntd Llc (ga)
Classification: Benign. Last evaluated: 2015-08-21. Review status: criteria provided, single submitter. Criteria: EGL Classification Definitions 2015. Collection method: clinical testing. Allele origin: germline. Observed: 2 variant alleles, 2 heterozygotes.

GeneDx
Classification: Benign. Last evaluated: 2015-03-11. Review status: criteria provided, single submitter. Criteria: GeneDx Variant Classification (06012015). Collection method: clinical testing. Allele origin: germline. Affected: yes.
Comment: This variant is considered likely benign or benign based on one or more of the following criteria: it is a conservative change, it occurs at a poorly conserved position in the protein, it is predicted to be benign by multiple in silico algorithms, and/or has population frequency not consistent with disease.

Genetic Services Laboratory, University of Chicago
Classification: Benign. Last evaluated: 2013-02-08. Review status: criteria provided, single submitter. Criteria: ACMG Guidelines, 2007. Collection method: clinical testing. Allele origin: germline. Inheritance: Autosomal dominant inheritance.

Breakthrough Genomics
Classification: Likely benign. Review status: criteria provided, single submitter. Criteria: ACMG Guidelines, 2015. Collection method: not provided. Allele origin: germline. Inheritance: Autosomal dominant inheritance. Affected: yes.

PreventionGenetics, part of Exact Sciences
Classification: Benign for NSD1-related condition. Last evaluated: 2022-08-03. Review status: no assertion criteria provided. Collection method: clinical testing. Allele origin: germline. Not counted in ClinVar's aggregate classification.
Comment: This variant is classified as benign based on ACMG/AMP sequence variant interpretation guidelines (Richards et al. 2015 PMID: 25741868, with internal and published modifications).

Clinical Genetics DNA and cytogenetics Diagnostics Lab, Erasmus MC, Erasmus Medical Center
Classification: Likely benign. Review status: no assertion criteria provided. Collection method: clinical testing. Allele origin: germline. Affected: yes. Study: VKGL Data-share Consensus. Not counted in ClinVar's aggregate classification.

Joint Genome Diagnostic Labs from Nijmegen and Maastricht, Radboudumc and MUMC+
Classification: Likely benign. Review status: no assertion criteria provided. Collection method: clinical testing. Allele origin: germline. Affected: yes. Study: VKGL Data-share Consensus. Not counted in ClinVar's aggregate classification.

Laboratory of Diagnostic Genome Analysis, Leiden University Medical Center (LUMC)
Classification: Likely benign. Review status: no assertion criteria provided. Collection method: clinical testing. Allele origin: germline. Affected: yes. Study: VKGL Data-share Consensus. Not counted in ClinVar's aggregate classification.

NM_022455.5(NSD1):c.7908C>T (p.Leu2636=)

Gene: NSD1 (nuclear receptor binding SET domain protein 1; plus strand). Cytogenetic location: 5q35.3.
Variant type: single nucleotide variant.
Coding change: c.7908C>T on transcript NM_022455.5 (MANE Select); coding-DNA position 7908, C replaced by T.
Protein change: p.Leu2636=; no amino-acid change (leucine 2636 retained).
Molecular consequence: synonymous variant.
Genome position (GRCh38, 1-based): chr5:177,295,276, C>T. VCF-style: chr5-177295276-C-T. GRCh37 (hg19) VCF-style: chr5-176722277-C-T.
Other names: c.7035C>T, p.Leu2345= (NM_001365684.2, NM_001409308.1, NM_172349.5); c.7908C>T, p.Leu2636= (NM_001409301.1, NM_001409302.1, NM_001409303.1); c.7488C>T, p.Leu2496= (NM_001409304.1); c.7155C>T, p.Leu2385= (NM_001409305.1); c.7146C>T, p.Leu2382= (NM_001409306.1, NM_001409307.1); c.6786C>T, p.Leu2262= (NM_001409309.1).
Identifiers: ClinVar variation 159443 (VCV000159443.55), dbSNP rs143159630, ClinGen allele CA172870.
Genomic context (GRCh38, chr5:177,295,276, plus strand): 5'-GTTGGTAACCACAGAGCAAAGTCCCTGGGCCCTGGGAAAAGCCTCATCACGGGCAGGGCT[C>T]TGGCCCATAGTGGCTGGACAGACACTGGCACAGTCTTGCTGGTCTGCTGGGAGCACACAG-3'
Protein context (NP_071900.2, residues 2626-2646): ALGKASSRAG[Leu2636=]WPIVAGQTLA